The following is an entry in ClinVar:

NM_001347721.2(DYRK1A):c.1643A>G (p.Gln548Arg)

Gene: DYRK1A (dual specificity tyrosine phosphorylation regulated kinase 1A; plus strand). Cytogenetic location: 21q22.13.
Variant type: single nucleotide variant.
Coding change: c.1643A>G on transcript NM_001347721.2 (MANE Select); coding-DNA position 1643, A replaced by G.
Protein change: p.Gln548Arg; replaces glutamine 548 with arginine.
Molecular consequence: missense variant. On other transcripts: intron variant (1).
Genome position (GRCh38, 1-based): chr21:37,506,222, A>G. VCF-style: chr21-37506222-A-G. GRCh37 (hg19) VCF-style: chr21-38878525-A-G.
Other names: c.1670A>G, p.Gln557Arg (NM_001396.5, NM_101395.2); c.1643A>G, p.Gln548Arg (NM_130436.2, NM_001347722.2); c.1546+633A>G (NM_130438.2); c.1556A>G, p.Gln519Arg (NM_001347723.2); short protein forms Q519R, Q548R, Q557R.
Identifiers: ClinVar variation 3666460 (VCV003666460.2).
Genomic context (GRCh38, chr21:37,506,222, plus strand): 5'-ACAGTGGTGGGCACTTCACAGCTGCCGTGCAGGCCATGGACTGCGAGACACACAGTCCCC[A>G]GGTGAGCTCGCACGTGGTTCATTTGCTTGTGTCACCTGCCATTCTCAGGTGGAGCAGCAC-3'
Protein context (NP_001334650.1, residues 538-558): QAMDCETHSP[Gln548Arg]VRQQFPAPLG

ClinVar aggregate classification (germline): Uncertain significance (1 of 4 stars; one submission).

Conditions:
DYRK1A-related intellectual disability syndrome (MRD7). Also called: DYRK1A Syndrome; Intellectual developmental disorder, autosomal dominant 7. Identifiers: Orphanet 464306, MedGen C5568143, MONDO:0013578, OMIM 614104.

Submission:

Labcorp Genetics (formerly Invitae), Labcorp
Classification: Uncertain significance for DYRK1A-related intellectual disability syndrome. Last evaluated: 2024-09-08. Review status: criteria provided, single submitter. Criteria: Invitae Variant Classification Sherloc (09022015). Collection method: clinical testing. Allele origin: germline.
Comment: This sequence change replaces glutamine, which is neutral and polar, with arginine, which is basic and polar, at codon 557 of the DYRK1A protein (p.Gln557Arg). This variant is not present in population databases (gnomAD no frequency). This variant has not been reported in the literature in individuals affected with DYRK1A-related conditions. An algorithm developed to predict the effect of missense changes on protein structure and function (PolyPhen-2) suggests that this variant is likely to be disruptive. Algorithms developed to predict the effect of sequence changes on RNA splicing suggest that this variant may disrupt the consensus splice site. In summary, the available evidence is currently insufficient to determine the role of this variant in disease. Therefore, it has been classified as a Variant of Uncertain Significance.